The following is an entry in ClinVar:

ClinVar aggregate classification (germline): Pathogenic (1 of 4 stars; one submission).

Conditions:
Deafness, congenital heart defects, and posterior embryotoxon (DCHE). Identifiers: MedGen C1866053, MONDO:0060713, OMIM 617992.
Alagille syndrome due to a JAG1 point mutation. Also called: HEPATIC DUCTULAR HYPOPLASIA, SYNDROMATIC; Alagille Syndrome 1; JAG1-Related Alagille Syndrome. Identifiers: Orphanet 261619, Orphanet 52, MedGen C1956125, MONDO:0016862, OMIM 118450.
Tetralogy of Fallot (TOF). Identifiers: Orphanet 3303, MedGen C0039685, MONDO:0008542, OMIM 187500, HP:0001636.

Submission:

Juno Genomics, Hangzhou Juno Genomics, Inc
Classification: Pathogenic for Deafness, congenital heart defects, and posterior embryotoxon; Alagille syndrome due to a JAG1 point mutation; Tetralogy of Fallot. Review status: criteria provided, single submitter. Criteria: ACMG Guidelines, 2015. Collection method: clinical testing. Allele origin: germline. Affected: yes.
Comment: Null variant in a gene where loss of function (LOF) is a known mechanism of disease.;Absent from controls (or at extremely low frequency if recessive) in Genome Aggregation Database, Exome Sequencing Project, 1000 Genomes Project, or Exome Aggregation Consortium.;Patient's phenotype or family history is highly specific for a disease with a single genetic etiology.

NM_000214.3(JAG1):c.1794_1797del (p.Cys599fs)

Gene: JAG1 (jagged canonical Notch ligand 1; minus strand). Cytogenetic location: 20p12.2.
Variant type: Deletion.
Coding change: c.1794_1797del on transcript NM_000214.3 (MANE Select); coding-DNA positions 1794 to 1797, 4 bases deleted (CTGT; older notation c.1794_1797delCTGT).
Protein change: p.Cys599fs; shifts the reading frame from cysteine 599.
Molecular consequence: frameshift variant.
Genome position (GRCh38, 1-based): chr20:10,647,027-10,647,030, ACAG deleted on the plus strand (CTGT on the coding strand, the reverse complement: JAG1 is on the minus strand); deleting any 4 consecutive bases within chr20:10,647,027-10,647,032 gives the same sequence; the c. name uses the placement nearest the transcript's 3' end. VCF-style (leftmost placement, unchanged base first): chr20-10647026-CACAG-C. GRCh37 (hg19) VCF-style: chr20-10627674-CACAG-C.
Other names: short protein forms C599fs.
Identifiers: ClinVar variation 3382532 (VCV003382532.2).